The following is an entry in ClinVar:

NM_006011.4(ST8SIA2):c.489G>A (p.Ser163=)

Gene: ST8SIA2 (ST8 alpha-N-acetyl-neuraminide alpha-2,8-sialyltransferase 2; plus strand). Cytogenetic location: 15q26.1.
Variant type: single nucleotide variant.
Coding change: c.489G>A on transcript NM_006011.4 (MANE Select); coding-DNA position 489, G replaced by A.
Protein change: p.Ser163=; no amino-acid change (serine 163 retained).
Molecular consequence: synonymous variant.
Genome position (GRCh38, 1-based): chr15:92,438,551, G>A. VCF-style: chr15-92438551-G-A. GRCh37 (hg19) VCF-style: chr15-92981781-G-A.
Other names: c.426G>A, p.Ser142= (NM_001330416.2).
Identifiers: ClinVar variation 3032363 (VCV003032363.2), dbSNP rs778317545, ClinGen allele CA7746639.

ClinVar aggregate classification (germline): Likely benign (0 of 4 stars; one submission).

Conditions:
ST8SIA2-related disorder. Also called: ST8SIA2-related condition.

Allele frequency attached by ClinVar (database versions not stated): gnomAD 0.00001; ExAC 0.00002; TOPMed 0.00003.
gnomAD v4.1: 22 of 1,613,892 alleles (0.0014%); highest among the groups gnomAD compares: Middle Eastern, 0.016%; no homozygotes.

Submission:

PreventionGenetics, part of Exact Sciences
Classification: Likely benign for ST8SIA2-related condition. Last evaluated: 2020-09-25. Review status: no assertion criteria provided. Collection method: clinical testing. Allele origin: germline.
Comment: This variant is classified as likely benign based on ACMG/AMP sequence variant interpretation guidelines (Richards et al. 2015 PMID: 25741868, with internal and published modifications).